The following is an entry in ClinVar:

ClinVar aggregate classification (germline): Uncertain significance (1 of 4 stars; one submission).

Conditions:
Epidermolysis bullosa simplex 3, localized or generalized intermediate, with BP230 deficiency (EBS3). Also called: Epidermolysis bullosa simplex, autosomal recessive 2; Epidermolysis bullosa simplex due to BP230 deficiency. Identifiers: Orphanet 412181, MedGen C3809470, MONDO:0014180, OMIM 615425.
Hereditary sensory and autonomic neuropathy type 6. Also called: Neuropathy, hereditary sensory and autonomic, type VI; HSAN VI. Identifiers: Orphanet 314381, MedGen C3539003, MONDO:0013839, OMIM 614653.

Allele frequency attached by ClinVar (database versions not stated): TOPMed below 0.00001.

Submission:

Labcorp Genetics (formerly Invitae), Labcorp
Classification: Uncertain significance for Epidermolysis bullosa simplex 3, localized or generalized intermediate, with BP230 deficiency; Hereditary sensory and autonomic neuropathy type 6. Last evaluated: 2025-03-17. Review status: criteria provided, single submitter. Criteria: Invitae Variant Classification Sherloc (09022015). Collection method: clinical testing. Allele origin: germline.
Comment: The DST gene has multiple clinically relevant transcripts. This variant occurs in alternate transcript NM_015548.4, and corresponds to NM_001723.5:c.*63005C>G in the primary transcript. This sequence change replaces alanine, which is neutral and non-polar, with glycine, which is neutral and non-polar, at codon 2804 of the DST protein (p.Ala2804Gly). This variant is not present in population databases (gnomAD no frequency). This variant has not been reported in the literature in individuals affected with DST-related conditions. Experimental studies and prediction algorithms are not available or were not evaluated, and the functional significance of this variant is currently unknown. In summary, the available evidence is currently insufficient to determine the role of this variant in disease. Therefore, it has been classified as a Variant of Uncertain Significance.

NM_001374736.1(DST):c.16280C>G (p.Ala5427Gly)

Gene: DST (dystonin; minus strand). Cytogenetic location: 6p12.1.
Variant type: single nucleotide variant.
Coding change: c.16280C>G on transcript NM_001374736.1 (MANE Select); coding-DNA position 16280, C replaced by G.
Protein change: p.Ala5427Gly; replaces alanine 5427 with glycine.
Molecular consequence: missense variant.
Genome position (GRCh38, 1-based): chr6:56,552,512, G>C on the plus strand (C>G on the coding strand, the complement: DST is on the minus strand). VCF-style: chr6-56552512-G-C. GRCh37 (hg19) VCF-style: chr6-56417310-G-C.
Other names: c.9923C>G, p.Ala3308Gly (NM_001144769.5); c.9509C>G, p.Ala3170Gly (NM_001144770.2); c.16280C>G, p.Ala5427Gly (NM_001374722.1); c.15647C>G, p.Ala5216Gly (NM_001374729.1); c.9389C>G, p.Ala3130Gly (NM_001374730.1, NM_001386100.1, NM_183380.4); c.16307C>G, p.Ala5436Gly (NM_001374734.1); c.8411C>G, p.Ala2804Gly (NM_015548.5); short protein forms A2804G, A3308G, A5216G, A5436G, A3170G, A5427G, A3130G.
Identifiers: ClinVar variation 2948921 (VCV002948921.3), dbSNP rs1250926571, ClinGen allele CA364513959.
Genomic context (GRCh38, chr6:56,552,512, plus strand): 5'-TTGCAGGTTTTATTGGCATTGTCATTGCTTGCCATGAGGGCTTCTAGTTTCTTTAGAAAG[G>C]CTTTTATAGTTTCCTTTTGCTTTTGCAATGTTTCTGCATCTCTCCCCACTGGAGCCATGC-3'
Protein context (NP_001361665.1, residues 5417-5437): TLQKQKETIK[Ala5427Gly]FLKKLEALMA